The following is an entry in ClinVar:

NM_014975.3(MAST1):c.1094C>G (p.Ala365Gly)

Gene: MAST1 (microtubule associated serine/threonine kinase 1; plus strand). Cytogenetic location: 19p13.13.
Variant type: single nucleotide variant.
Coding change: c.1094C>G on transcript NM_014975.3 (MANE Select); coding-DNA position 1094, C replaced by G.
Protein change: p.Ala365Gly; replaces alanine 365 with glycine.
Molecular consequence: missense variant.
Genome position (GRCh38, 1-based): chr19:12,858,378, C>G. VCF-style: chr19-12858378-C-G. GRCh37 (hg19) VCF-style: chr19-12969192-C-G.
Other names: short protein forms A365G.
Identifiers: ClinVar variation 2768734 (VCV002768734.3), dbSNP rs2512531553, ClinGen allele CA404266690.

ClinVar aggregate classification (germline): Uncertain significance (1 of 4 stars; one submission).

Submission:

Labcorp Genetics (formerly Invitae), Labcorp
Classification: Uncertain significance. Last evaluated: 2023-10-15. Review status: criteria provided, single submitter. Criteria: Invitae Variant Classification Sherloc (09022015). Collection method: clinical testing. Allele origin: germline.
Comment: This sequence change replaces alanine, which is neutral and non-polar, with glycine, which is neutral and non-polar, at codon 365 of the MAST1 protein (p.Ala365Gly). This variant is not present in population databases (gnomAD no frequency). This variant has not been reported in the literature in individuals affected with MAST1-related conditions. Advanced modeling of protein sequence and biophysical properties (such as structural, functional, and spatial information, amino acid conservation, physicochemical variation, residue mobility, and thermodynamic stability) performed at Invitae indicates that this missense variant is expected to disrupt MAST1 protein function. In summary, the available evidence is currently insufficient to determine the role of this variant in disease. Therefore, it has been classified as a Variant of Uncertain Significance.